The following is an entry in ClinVar:

NM_001852.4(COL9A2):c.1665G>A (p.Met555Ile)

Gene: COL9A2 (collagen type IX alpha 2 chain; minus strand). Cytogenetic location: 1p34.2.
Variant type: single nucleotide variant.
Coding change: c.1665G>A on transcript NM_001852.4 (MANE Select); coding-DNA position 1665, G replaced by A.
Protein change: p.Met555Ile; replaces methionine 555 with isoleucine.
Molecular consequence: missense variant.
Genome position (GRCh38, 1-based): chr1:40,302,748, C>T on the plus strand (G>A on the coding strand, the complement: COL9A2 is on the minus strand). VCF-style: chr1-40302748-C-T. GRCh37 (hg19) VCF-style: chr1-40768420-C-T.
Other names: short protein forms M555I.
Identifiers: ClinVar variation 432672 (VCV000432672.10), dbSNP rs1553182338, ClinGen allele CA339876630.
Genomic context (GRCh38, chr1:40,302,748, plus strand): 5'-GTGCCCATGGGGGCCCTGCTTGCCTGGGTACCCAGGGGGCCCAGGAGGTCCTGGAGGACC[C>T]ATCATGCCCACCGCACCCAGGGCTTCCCGCTTGGCACTCACGGCGACCTCTGCCAGTTGC-3'
Protein context (NP_001843.1, residues 545-565): KREALGAVGM[Met555Ile]GPPGPPGPPG

ClinVar aggregate classification (germline): Uncertain significance. Review status: criteria provided, multiple submitters, no conflicts (2 of 4 stars). 2 submissions from 2 submitters: Uncertain significance (2). Last evaluated 2022-11-03.

Submissions (2):

Labcorp Genetics (formerly Invitae), Labcorp
Classification: Uncertain significance. Last evaluated: 2022-11-03. Review status: criteria provided, single submitter. Criteria: Invitae Variant Classification Sherloc (09022015). Collection method: clinical testing. Allele origin: germline.
Comment: This sequence change replaces methionine, which is neutral and non-polar, with isoleucine, which is neutral and non-polar, at codon 555 of the COL9A2 protein (p.Met555Ile). In summary, the available evidence is currently insufficient to determine the role of this variant in disease. Therefore, it has been classified as a Variant of Uncertain Significance. Advanced modeling of protein sequence and biophysical properties (such as structural, functional, and spatial information, amino acid conservation, physicochemical variation, residue mobility, and thermodynamic stability) performed at Invitae indicates that this missense variant is not expected to disrupt COL9A2 protein function. ClinVar contains an entry for this variant (Variation ID: 432672). This variant has not been reported in the literature in individuals affected with COL9A2-related conditions. This variant is not present in population databases (gnomAD no frequency).

GeneDx
Classification: Uncertain significance. Last evaluated: 2017-06-19. Review status: criteria provided, single submitter. Criteria: GeneDx Variant Classification (06012015). Collection method: clinical testing. Allele origin: germline. Affected: yes.
Comment: A variant of uncertain significance has been identified in the COL9A2 gene. The M555I variant has not been published as pathogenic or been reported as benign to our knowledge. This variant is not observed in large population cohorts (Lek et al., 2016; 1000 Genomes Consortium et al., 2015; Exome Variant Server). In silico analysis predicts this variant is probably damaging to the protein structure/function. However, the M555I variant is a conservative amino acid substitution, which is not likely to impact secondary protein structure as these residues share similar properties. This substitution occurs at a position where amino acids with similar properties to methionine are tolerated across species and where isoleucine is present as the wild type in at least one species.